The following is an entry in ClinVar:

ClinVar aggregate classification (germline): Uncertain significance (1 of 4 stars; one submission).

Submission:

Ambry Genetics
Classification: Uncertain significance. Last evaluated: 2025-12-21. Review status: criteria provided, single submitter. Criteria: Ambry Variant Classification Scheme 2023. Collection method: clinical testing. Allele origin: germline.
Comment: The p.G54R variant (also known as c.160G>C), located in coding exon 1 of the CDK12 gene, results from a G to C substitution at nucleotide position 160. The glycine at codon 54 is replaced by arginine, an amino acid with dissimilar properties. This amino acid position is conserved. In addition, this alteration is predicted to be tolerated by in silico analysis. Based on the available evidence, the clinical significance of this variant remains unclear.

NM_016507.4(CDK12):c.160G>C (p.Gly54Arg)

Genes: CDK12 (cyclin dependent kinase 12; plus strand), LOC126862553 (CDK7 strongly-dependent group 2 enhancer GRCh37_chr17:37618166-37619365; plus strand). Cytogenetic location: 17q12.
Variant type: single nucleotide variant.
Coding change: c.160G>C on transcript NM_016507.4 (MANE Select); coding-DNA position 160, G replaced by C.
Protein change: p.Gly54Arg; replaces glycine 54 with arginine.
Molecular consequence: missense variant.
Genome position (GRCh38, 1-based): chr17:39,462,231, G>C. VCF-style: chr17-39462231-G-C. GRCh37 (hg19) VCF-style: chr17-37618484-G-C.
Other names: c.160G>C, p.Gly54Arg (NM_015083.4); short protein forms G54R.
Identifiers: ClinVar variation 4841677 (VCV004841677.1).